The following is an entry in ClinVar:

NM_000551.4(VHL):c.-58del

Gene: VHL (von Hippel-Lindau tumor suppressor; plus strand). Cytogenetic location: 3p25.3.
Variant type: Deletion.
Coding change: c.-58del on transcript NM_000551.4 (MANE Select); 58 bases upstream of the start codon, one base deleted (C; older notation c.-58delC).
Molecular consequence: 5 prime UTR variant. On other transcripts: non-coding transcript variant (1).
Genome position (GRCh38, 1-based): chr3:10,141,790, C deleted; the last of 4 consecutive C bases (chr3:10,141,787-10,141,790); deleting any one gives the same sequence. VCF-style (leftmost placement, unchanged base first): chr3-10141786-GC-G. GRCh37 (hg19) VCF-style: chr3-10183470-GC-G.
Other names: c.-58del (NM_001354723.2, NM_198156.3).
Identifiers: ClinVar variation 3752294 (VCV003752294.2).

ClinVar aggregate classification (germline): Uncertain significance (1 of 4 stars; one submission).

Conditions:
Chuvash polycythemia. Also called: POLYCYTHEMIA, VHL-DEPENDENT. Identifiers: Orphanet 238557, MedGen C1837915, MONDO:0009892, OMIM 263400.
Von Hippel-Lindau syndrome (VHLS). Also called: VHL syndrome; von Hippel–Lindau syndrome; Von Hippel-Lindau. Identifiers: Orphanet 892, MedGen C0019562, MONDO:0008667, OMIM 193300. Disease mechanism: loss of function.

Submission:

Labcorp Genetics (formerly Invitae), Labcorp
Classification: Uncertain significance for Von Hippel-Lindau syndrome; Chuvash polycythemia. Last evaluated: 2024-11-09. Review status: criteria provided, single submitter. Criteria: Invitae Variant Classification Sherloc (09022015). Collection method: clinical testing. Allele origin: germline.
Comment: This variant occurs in a non-coding region of the VHL gene. It does not change the encoded amino acid sequence of the VHL protein. This variant is not present in population databases (gnomAD no frequency). This variant has not been reported in the literature in individuals affected with VHL-related conditions. Experimental studies and prediction algorithms are not available or were not evaluated, and the functional significance of this variant is currently unknown. In summary, the available evidence is currently insufficient to determine the role of this variant in disease. Therefore, it has been classified as a Variant of Uncertain Significance.